The following is an entry in ClinVar:

NC_000007.13:g.(?_21757118)_(21760444_?)del

Gene: DNAH11 (dynein axonemal heavy chain 11; plus strand). Cytogenetic location: 7p15.3.
Variant type: Deletion.
Identifiers: ClinVar variation 3245647 (VCV003245647.1).

ClinVar aggregate classification (germline): Likely pathogenic (1 of 4 stars; one submission).

Conditions:
Primary ciliary dyskinesia. Also called: Ciliary dyskinesia. Identifiers: Orphanet 244, MedGen C0008780, MONDO:0016575, HP:0012265.

Submission:

Labcorp Genetics (formerly Invitae), Labcorp
Classification: Likely pathogenic for Primary ciliary dyskinesia. Last evaluated: 2023-02-06. Review status: criteria provided, single submitter. Criteria: Invitae Variant Classification Sherloc (09022015). Collection method: clinical testing. Allele origin: unknown.
Comment: This variant results in the deletion of exon 43 and part of exon 44 (c.6984-275_7236del) of the DNAH11 gene. It is expected to disrupt RNA splicing. Variants that disrupt the donor or acceptor splice site typically lead to a loss of protein function (PMID: 16199547), and loss-of-function variants in DNAH11 are known to be pathogenic (PMID: 18022865, 20513915, 22184204). This variant has not been reported in the literature in individuals affected with DNAH11-related conditions. This variant disrupts a region of the DNAH11 protein in which other variant(s) (p.Leu2383Pro) have been observed in individuals with DNAH11-related conditions (PMID: 22184204). This suggests that this is a clinically significant region of the protein, and that variants that disrupt it are likely to be disease-causing. In summary, the currently available evidence indicates that the variant is pathogenic, but additional data are needed to prove that conclusively. Therefore, this variant has been classified as Likely Pathogenic.

Literature cited by the submitters: PubMed 16199547; PubMed 18022865; PubMed 20513915; PubMed 22184204.